The following is an entry in ClinVar:

ClinVar aggregate classification (germline): Uncertain significance. Review status: criteria provided, multiple submitters, no conflicts (2 of 4 stars). 2 submissions from 2 submitters: Uncertain significance (2). Last evaluated 2024-06-11.

Conditions:
Inborn genetic diseases. Identifiers: MedGen C0950123, MeSH D030342.

gnomAD v4.1: 6 of 1,613,980 alleles (0.00037%); highest among the groups gnomAD compares: Non-Finnish European, 0.00051%; no homozygotes.

Submissions (2):

Ambry Genetics
Classification: Uncertain significance for Inborn genetic diseases. Last evaluated: 2024-06-11. Review status: criteria provided, single submitter. Criteria: Ambry Variant Classification Scheme 2023. Collection method: clinical testing. Allele origin: germline.

GeneDx
Classification: Uncertain significance. Last evaluated: 2019-11-27. Review status: criteria provided, single submitter. Criteria: GeneDx Variant Classification Process June 2021. Collection method: clinical testing. Allele origin: germline. Affected: yes.
Comment: Not observed in large population cohorts (Lek et al., 2016); In silico analysis, which includes protein predictors and evolutionary conservation, supports that this variant does not alter protein structure/function; Has not been previously published as pathogenic or benign to our knowledge

NM_001242896.3(DEPDC5):c.4553G>A (p.Arg1518His)

Gene: DEPDC5 (DEP domain containing 5, GATOR1 subcomplex subunit; plus strand). Cytogenetic location: 22q12.3.
Variant type: single nucleotide variant.
Coding change: c.4553G>A on transcript NM_001242896.3 (MANE Select); coding-DNA position 4553, G replaced by A.
Protein change: p.Arg1518His; replaces arginine 1518 with histidine.
Molecular consequence: missense variant. On other transcripts: non-coding transcript variant (5).
Genome position (GRCh38, 1-based): chr22:31,906,238, G>A. VCF-style: chr22-31906238-G-A. GRCh37 (hg19) VCF-style: chr22-32302224-G-A.
Other names: c.4526G>A, p.Arg1509His (NM_001136029.4); c.4253G>A, p.Arg1418His (NM_001242897.2); c.4487G>A, p.Arg1496His (NM_001363852.2, NM_001364320.2); c.4319G>A, p.Arg1440His (NM_001363854.2, NM_001364319.2); c.4553G>A, p.Arg1518His (NM_001364318.2); c.4469G>A, p.Arg1490His (NM_001369901.1, NM_001369902.1); c.4460G>A, p.Arg1487His (NM_001369903.1, NM_014662.6); short protein forms R1418H, R1440H, R1487H, R1490H, R1496H, R1509H, R1518H.
Identifiers: ClinVar variation 1310324 (VCV001310324.3), dbSNP rs2149448672, ClinGen allele CA411292300.